The following is an entry in ClinVar:

NM_002878.4(RAD51D):c.567G>A (p.Val189=)

Genes: RAD51D (RAD51 paralog D; minus strand), RAD51L3-RFFL (RAD51L3-RFFL readthrough; minus strand). Cytogenetic location: 17q12.
Variant type: single nucleotide variant.
Coding change: c.567G>A on transcript NM_002878.4 (MANE Select); coding-DNA position 567, G replaced by A.
Protein change: p.Val189=; no amino-acid change (valine 189 retained).
Molecular consequence: synonymous variant. On other transcripts: non-coding transcript variant (3).
Genome position (GRCh38, 1-based): chr17:35,106,395, C>T on the plus strand (G>A on the coding strand, the complement: RAD51D is on the minus strand). VCF-style: chr17-35106395-C-T. GRCh37 (hg19) VCF-style: chr17-33433414-C-T.
Other names: c.627G>A, p.Val209= (NM_001142571.2); c.231G>A, p.Val77= (NM_133629.3).
Identifiers: ClinVar variation 539868 (VCV000539868.13), dbSNP rs373975416, ClinGen allele CA289995882.

ClinVar aggregate classification (germline): Benign/Likely benign. Review status: criteria provided, multiple submitters, no conflicts (2 of 4 stars). 3 submissions from 3 submitters: Benign (1); Likely benign (2). Last evaluated 2025-12-22.

Conditions:
Hereditary cancer-predisposing syndrome. Also called: Neoplastic Syndromes, Hereditary; Hereditary Cancer Syndrome; Hereditary neoplastic syndrome; Tumor predisposition. Identifiers: Orphanet 140162, MedGen C0027672, MeSH D009386, MONDO:0015356.
Breast-ovarian cancer, familial, susceptibility to, 4. Identifiers: Orphanet 145, MedGen C3280345, MONDO:0013669, OMIM 614291.

Allele frequency attached by ClinVar (database versions not stated): gnomAD 0.00001; TOPMed 0.00001; ESP Exome Variant Server 0.00008.
gnomAD v4.1: 6 of 1,612,908 alleles (0.00037%); highest among the groups gnomAD compares: African/African-American, 0.0013%; no homozygotes.

Submissions (3):

Labcorp Genetics (formerly Invitae), Labcorp
Classification: Likely benign for Breast-ovarian cancer, familial, susceptibility to, 4. Last evaluated: 2025-12-22. Review status: criteria provided, single submitter. Criteria: Invitae Variant Classification Sherloc (09022015). Collection method: clinical testing. Allele origin: germline.

Myriad Genetics, Inc.
Classification: Benign for Breast-ovarian cancer, familial, susceptibility to, 4. Last evaluated: 2025-02-24. Review status: criteria provided, single submitter. Criteria: Myriad Autosomal Dominant, Autosomal Recessive and X-Linked Classification Criteria (2023). Collection method: clinical testing. Allele origin: unknown.
Comment: This variant is considered benign. This variant is a silent/synonymous amino acid change and it is not expected to impact splicing.

Ambry Genetics
Classification: Likely benign for Hereditary cancer-predisposing syndrome. Last evaluated: 2018-07-24. Review status: criteria provided, single submitter. Criteria: Ambry Variant Classification Scheme 2023. Collection method: clinical testing. Allele origin: germline.